The following is an entry in ClinVar:

NM_000256.3(MYBPC3):c.1511A>G (p.Lys504Arg)

Gene: MYBPC3 (myosin binding protein C3; minus strand). Cytogenetic location: 11p11.2.
Variant type: single nucleotide variant.
Coding change: c.1511A>G on transcript NM_000256.3 (MANE Select); coding-DNA position 1511, A replaced by G.
Protein change: p.Lys504Arg; replaces lysine 504 with arginine.
Molecular consequence: missense variant.
Genome position (GRCh38, 1-based): chr11:47,342,691, T>C on the plus strand (A>G on the coding strand, the complement: MYBPC3 is on the minus strand). VCF-style: chr11-47342691-T-C. GRCh37 (hg19) VCF-style: chr11-47364242-T-C.
Other names: c.1511A>G, p.Lys504Arg (LRG_386t1); short protein forms K504R.
Identifiers: ClinVar variation 664100 (VCV000664100.8), dbSNP rs1595846219, ClinGen allele CA380325209.
Genomic context (GRCh38, chr11:47,342,691, plus strand): 5'-TGCCCCGCGTCCTCCAGCATGGCCTCGTTGATGATCAGGTGGTGTCTCTGCCCGTCCTTC[T>C]TGAACCGGTATTTGAAGGTCTCCTCCCGGGTCAGCTCCACCCCGTCCTTCAGCCTAGCCG-3'
Protein context (NP_000247.2, residues 494-514): TREETFKYRF[Lys504Arg]KDGQRHHLII

ClinVar aggregate classification (germline): Uncertain significance (1 of 4 stars; one submission).

Conditions:
Hypertrophic cardiomyopathy. Also called: HYPERTROPHIC MYOCARDIOPATHY. Identifiers: Orphanet 217569, MedGen C0007194, MeSH D002312, MONDO:0005045, HP:0001639.

Allele frequency attached by ClinVar (database versions not stated): gnomAD exomes below 0.00001.
gnomAD v4.1: 1 of 1,614,028 alleles (0.000062%); highest among the groups gnomAD compares: Non-Finnish European, 0.000085%; no homozygotes.

Submission:

Labcorp Genetics (formerly Invitae), Labcorp
Classification: Uncertain significance for Hypertrophic cardiomyopathy. Last evaluated: 2023-11-27. Review status: criteria provided, single submitter. Criteria: Invitae Variant Classification Sherloc (09022015). Collection method: clinical testing. Allele origin: germline.
Comment: This sequence change replaces lysine, which is basic and polar, with arginine, which is basic and polar, at codon 504 of the MYBPC3 protein (p.Lys504Arg). This variant is not present in population databases (gnomAD no frequency). This variant has not been reported in the literature in individuals affected with MYBPC3-related conditions. ClinVar contains an entry for this variant (Variation ID: 664100). An algorithm developed to predict the effect of missense changes on protein structure and function (PolyPhen-2) suggests that this variant is likely to be disruptive. In summary, the available evidence is currently insufficient to determine the role of this variant in disease. Therefore, it has been classified as a Variant of Uncertain Significance.